The following is an entry in ClinVar:

ClinVar aggregate classification (germline): Uncertain significance (1 of 4 stars; one submission).

Allele frequency attached by ClinVar (database versions not stated): gnomAD exomes below 0.00001; TOPMed below 0.00001.
gnomAD v4.1: 1 of 1,612,798 alleles (0.000062%); highest among the groups gnomAD compares: South Asian, 0.0011%; no homozygotes.

Submission:

Labcorp Genetics (formerly Invitae), Labcorp
Classification: Uncertain significance. Last evaluated: 2022-09-01. Review status: criteria provided, single submitter. Criteria: Invitae Variant Classification Sherloc (09022015). Collection method: clinical testing. Allele origin: germline.
Comment: In summary, the available evidence is currently insufficient to determine the role of this variant in disease. Therefore, it has been classified as a Variant of Uncertain Significance. Algorithms developed to predict the effect of missense changes on protein structure and function (SIFT, PolyPhen-2, Align-GVGD) all suggest that this variant is likely to be disruptive. This variant has not been reported in the literature in individuals affected with MPDZ-related conditions. This variant is not present in population databases (gnomAD no frequency). This sequence change replaces serine, which is neutral and polar, with cysteine, which is neutral and slightly polar, at codon 236 of the MPDZ protein (p.Ser236Cys).

NM_001378778.1(MPDZ):c.707C>G (p.Ser236Cys)

Gene: MPDZ (multiple PDZ domain crumbs cell polarity complex component; minus strand). Cytogenetic location: 9p23.
Variant type: single nucleotide variant.
Coding change: c.707C>G on transcript NM_001378778.1 (MANE Select); coding-DNA position 707, C replaced by G.
Protein change: p.Ser236Cys; replaces serine 236 with cysteine.
Molecular consequence: missense variant.
Genome position (GRCh38, 1-based): chr9:13,222,273, G>C on the plus strand (C>G on the coding strand, the complement: MPDZ is on the minus strand). VCF-style: chr9-13222273-G-C. GRCh37 (hg19) VCF-style: chr9-13222272-G-C.
Other names: c.707C>G, p.Ser236Cys (NM_001261406.2, NM_001261407.2, NM_001330637.2 and 14 more transcripts); short protein forms S236C.
Identifiers: ClinVar variation 1968672 (VCV001968672.3), dbSNP rs1959175965, ClinGen allele CA372946656.